The following is an entry in ClinVar:

ClinVar aggregate classification (germline): Conflicting classifications of pathogenicity. Review status: criteria provided, conflicting classifications (1 of 4 stars). 8 submissions from 8 submitters: Pathogenic (4); Likely pathogenic (3); Uncertain significance (1). Last evaluated 2026-03-23.

Conditions:
Cardiovascular phenotype. Identifiers: MedGen CN230736.
Hereditary cancer-predisposing syndrome. Also called: Neoplastic Syndromes, Hereditary; Hereditary neoplastic syndrome; Tumor predisposition; Hereditary Cancer Syndrome. Identifiers: Orphanet 140162, MedGen C0027672, MeSH D009386, MONDO:0015356.
LZTR1-related disorder. Also called: LZTR1-related disorders; LZTR1-related condition.
Noonan syndrome 2 (NS2). Identifiers: Orphanet 648, MedGen C1854469, MONDO:0011531, OMIM 605275.
Noonan syndrome 10 (NS10). Identifiers: Orphanet 648, MedGen C4225280, MONDO:0014693, OMIM 616564.
LZTR1-related schwannomatosis. Also called: Schwannomatosis-2, susceptibility to; Schwannomatosis 2. Identifiers: Orphanet 93921, MedGen C3810283, MONDO:0014299, OMIM 615670.

Submissions (8):

GeneDx
Classification: Likely pathogenic. Last evaluated: 2026-03-23. Review status: criteria provided, single submitter. Criteria: GeneDx Variant Classification Process June 2021. Collection method: clinical testing. Allele origin: germline.
Comment: Frameshift variant predicted to result in protein truncation or nonsense mediated decay in a gene for which loss of function is a known mechanism of disease; Observed in an individual with cafe-au-lait macules and in another individual with leiomyosarcoma (PMID: 39150540, 39140257); Not observed at significant frequency in large population cohorts (gnomAD); This variant is associated with the following publications: (PMID: 39150540, 39140257)

Women's Health and Genetics/Laboratory Corporation of America, LabCorp
Classification: Pathogenic for Noonan syndrome 2. Last evaluated: 2026-02-23. Review status: criteria provided, single submitter. Criteria: LabCorp Variant Classification Summary - May 2015. Collection method: clinical testing. Allele origin: germline.
Comment: Variant summary: LZTR1 c.890_891delAT (p.Tyr297CysfsX18) results in a premature termination codon, predicted to cause a truncation of the encoded protein or absence of the protein due to nonsense mediated decay, which are commonly known mechanisms for disease. The variant allele was found at a frequency of 2.5e-05 in 197626 control chromosomes. These reports do not provide unequivocal conclusions about association of the variant with LZTR1-related conditions. To our knowledge, no experimental evidence demonstrating an impact on protein function has been reported. The following publications have been ascertained in the context of this evaluation (PMID: 39150540, 39140257). ClinVar contains an entry for this variant (Variation ID: 1073645). Based on the evidence outlined above, the variant was classified as pathogenic for LZTR1-related conditions (AD Schwannomatosis, AD Noonan Syndrome, AR Noonan Syndrome).

Labcorp Genetics (formerly Invitae), Labcorp
Classification: Pathogenic. Last evaluated: 2026-01-17. Review status: criteria provided, single submitter. Criteria: Invitae Variant Classification Sherloc (09022015). Collection method: clinical testing. Allele origin: germline.
Comment: This sequence change creates a premature translational stop signal (p.Tyr297Cysfs*18) in the LZTR1 gene. It is expected to result in an absent or disrupted protein product. Loss-of-function variants in LZTR1 are known to be pathogenic (PMID: 24362817, 25335493, 25480913, 25795793, 29469822, 30368668, 30442762, 30442766, 30481304, 30859559). This variant is present in population databases (rs767445373, gnomAD 0.006%). This variant has not been reported in the literature in individuals affected with LZTR1-related conditions. ClinVar contains an entry for this variant (Variation ID: 1073645). For these reasons, this variant has been classified as Pathogenic.

PreventionGenetics, part of Exact Sciences
Classification: Pathogenic for LZTR1-related condition. Last evaluated: 2024-12-17. Review status: criteria provided, single submitter. Criteria: ACMG Guidelines, 2015. Collection method: clinical testing. Allele origin: germline.
Comment: The LZTR1 c.890_891delAT variant is predicted to result in a frameshift and premature protein termination (p.Tyr297Cysfs*18). This variant has not been reported in the literature. This variant is reported in 0.0058% of alleles in individuals of European (Non-Finnish) descent in gnomAD. In ClinVar, this variant is classified as pathogenic. Frameshift variants in LZTR1 are expected to be pathogenic. This variant is interpreted as pathogenic for autosomal recessive Noonan syndrome and autosomal dominant susceptibility to schwannomatosis. However, this variant is interpreted as uncertain for autosomal dominant Noonan syndrome.

Baylor Genetics
Classification: Likely pathogenic for LZTR1-related schwannomatosis. Last evaluated: 2024-03-11. Review status: criteria provided, single submitter. Criteria: ACMG Guidelines, 2015. Collection method: clinical testing. Allele origin: unknown.

Blueprint Genetics
Classification: Uncertain significance. Last evaluated: 2024-01-12. Review status: criteria provided, single submitter. Criteria: ACMG Guidelines, 2015. Collection method: clinical testing. Allele origin: germline.

Ambry Genetics
Classification: Pathogenic for Cardiovascular phenotype; Hereditary cancer-predisposing syndrome. Last evaluated: 2023-08-03. Review status: criteria provided, single submitter. Criteria: Ambry Variant Classification Scheme 2023. Collection method: clinical testing. Allele origin: germline.
Comment: The c.890_891delAT pathogenic mutation, located in coding exon 9 of the LZTR1 gene, results from a deletion of two nucleotides at nucleotide positions 890 to 891, causing a translational frameshift with a predicted alternate stop codon (p.Y297Cfs*18). This alteration is expected to result in loss of function by premature protein truncation or nonsense-mediated mRNA decay. Loss-of-function variants in LZTR1 are related to an increased risk for schwannomas and autosomal recessive Noonan syndrome; however, such associations with autosomal dominant Noonan syndrome have not been observed (Piotrowski A et al. Nat Genet. 2014 Feb;46:182-7; Yamamoto GL et al. J Med Genet. 2015 Jun;52:413-21; Johnston JJ et al. Genet Med. 2018 10;20:1175-1185). Based on the supporting evidence, this variant is pathogenic for an increased risk of LZTR1-related schwannomatosis (SWN) and would be expected to cause autosomal recessive Noonan syndrome when present along with a second pathogenic or likely pathogenic variant on the other allele; however, the association of this alteration with autosomal dominant Noonan syndrome is unlikely.

Juno Genomics, Hangzhou Juno Genomics, Inc
Classification: Likely pathogenic for LZTR1-related schwannomatosis; Noonan syndrome 10; Noonan syndrome 2. Review status: criteria provided, single submitter. Criteria: ACMG Guidelines, 2015. Collection method: clinical testing. Allele origin: germline.
Comment: Null variant in a gene where loss of function (LOF) is a known mechanism of disease.

Literature cited by the submitters: PubMed 39140257 (cited by Women's Health and Genetics/Laboratory Corporation of America, LabCorp); PubMed 39150540 (cited by Women's Health and Genetics/Laboratory Corporation of America, LabCorp); PubMed 24362817 (cited by Labcorp Genetics (formerly Invitae), Labcorp); PubMed 25335493 (cited by Labcorp Genetics (formerly Invitae), Labcorp); PubMed 25480913 (cited by Labcorp Genetics (formerly Invitae), Labcorp); PubMed 25795793 (cited by Labcorp Genetics (formerly Invitae), Labcorp); PubMed 29469822 (cited by Labcorp Genetics (formerly Invitae), Labcorp); PubMed 30368668 (cited by Labcorp Genetics (formerly Invitae), Labcorp); PubMed 30442762 (cited by Labcorp Genetics (formerly Invitae), Labcorp); PubMed 30442766 (cited by Labcorp Genetics (formerly Invitae), Labcorp); PubMed 30481304 (cited by Labcorp Genetics (formerly Invitae), Labcorp); PubMed 30859559 (cited by Labcorp Genetics (formerly Invitae), Labcorp).

NM_006767.4(LZTR1):c.890_891del (p.Tyr297fs)

Gene: LZTR1 (leucine zipper like post translational regulator 1; plus strand). Cytogenetic location: 22q11.21.
Variant type: Deletion.
Coding change: c.890_891del on transcript NM_006767.4 (MANE Select); coding-DNA positions 890 to 891, 2 bases deleted (AT; older notation c.890_891delAT).
Protein change: p.Tyr297fs; shifts the reading frame from tyrosine 297.
Molecular consequence: frameshift variant.
Genome position (GRCh38, 1-based): chr22:20,991,726-20,991,727, AT deleted; deleting any 2 consecutive bases within chr22:20,991,725-20,991,727 gives the same sequence; the c. name uses the placement nearest the transcript's 3' end. VCF-style (leftmost placement, unchanged base first): chr22-20991724-CTA-C. GRCh37 (hg19) VCF-style: chr22-21346013-CTA-C.
Other names: c.890_891delAT (NM_006767.4); c.890_891del (NM_006767.3); short protein forms Y297fs.
Identifiers: ClinVar variation 1073645 (VCV001073645.17), dbSNP rs767445373, ClinGen allele CA10118655.
Genomic context (GRCh38, chr22:20,991,724, plus strand): 5'-CTCCCCACCACCCCCGCAGCGGCGCTACGGGCATACCATGGTGGCCTTTGACCGCCACCT[CTA>C]TGTGTTTGGGGGTGCGGCCGACAACACGCTGCCCAACGAGCTGCACTGCTATGACGTGGA-3'